The following is an entry in ClinVar:

ClinVar aggregate classification (germline): Pathogenic (1 of 4 stars; one submission).

Conditions:
Primary ciliary dyskinesia. Also called: Ciliary dyskinesia. Identifiers: Orphanet 244, MedGen C0008780, MONDO:0016575, HP:0012265.

Submission:

Ambry Genetics
Classification: Pathogenic for Primary ciliary dyskinesia. Last evaluated: 2016-02-10. Review status: criteria provided, single submitter. Criteria: Ambry Variant Classification Scheme 2023. Collection method: clinical testing. Allele origin: germline.
Comment: The p.Y2917* pathogenic mutation (also known as c.8751T>G), located in coding exon 52 of the DNAH5 gene, results from a T to G substitution at nucleotide position 8751. This changes the amino acid from a tyrosine to a stop codon within coding exon 52. Since premature stop codons are typically deleterious in nature, this alteration is interpreted as a disease-causing mutation (ACMG Recommendations for Standards for Interpretation and Reporting of Sequence Variations. Revision 2007. Genet Med. 2008;10:294).

NM_001369.3(DNAH5):c.8751T>G (p.Tyr2917Ter)

Gene: DNAH5 (dynein axonemal heavy chain 5; minus strand). Cytogenetic location: 5p15.2.
Variant type: single nucleotide variant.
Coding change: c.8751T>G on transcript NM_001369.3 (MANE Select); coding-DNA position 8751, T replaced by G.
Protein change: p.Tyr2917Ter; replaces tyrosine 2917 with a stop codon.
Molecular consequence: nonsense.
Genome position (GRCh38, 1-based): chr5:13,786,248, A>C on the plus strand (T>G on the coding strand, the complement: DNAH5 is on the minus strand). VCF-style: chr5-13786248-A-C. GRCh37 (hg19) VCF-style: chr5-13786357-A-C.
Other names: short protein forms Y2917*.
Identifiers: ClinVar variation 1764543 (VCV001764543.2), dbSNP rs1755980161, ClinGen allele CA359215223.